The following is an entry in ClinVar:

NM_015656.2(KIF26A):c.2137C>T (p.Leu713Phe)

Gene: KIF26A (kinesin family member 26A; plus strand). Cytogenetic location: 14q32.33.
Variant type: single nucleotide variant.
Coding change: c.2137C>T on transcript NM_015656.2 (MANE Select); coding-DNA position 2137, C replaced by T.
Protein change: p.Leu713Phe; replaces leucine 713 with phenylalanine.
Molecular consequence: missense variant.
Genome position (GRCh38, 1-based): chr14:104,174,254, C>T. VCF-style: chr14-104174254-C-T. GRCh37 (hg19) VCF-style: chr14-104640591-C-T.
Other names: short protein forms L713F.
Identifiers: ClinVar variation 3114732 (VCV003114732.2), dbSNP rs1203152956, ClinGen allele CA391165694.

ClinVar aggregate classification (germline): Uncertain significance. Review status: criteria provided, multiple submitters, no conflicts (2 of 4 stars). 2 submissions from 2 submitters: Uncertain significance (2). Last evaluated 2025-01-07.

Allele frequency attached by ClinVar (database versions not stated): TOPMed 0.00001; gnomAD exomes below 0.00001; gnomAD 0.00001.
gnomAD v4.1: 3 of 1,576,050 alleles (0.00019%); highest among the groups gnomAD compares: Admixed American, 0.0018%; no homozygotes.

Submissions (2):

GeneDx
Classification: Uncertain significance. Last evaluated: 2025-01-07. Review status: criteria provided, single submitter. Criteria: GeneDx Variant Classification Process June 2021. Collection method: clinical testing. Allele origin: germline. Affected: yes.
Comment: Not observed at significant frequency in large population cohorts (gnomAD); In silico analysis supports that this missense variant has a deleterious effect on protein structure/function; Has not been previously published as pathogenic or benign to our knowledge

Ambry Genetics
Classification: Uncertain significance. Last evaluated: 2023-12-15. Review status: criteria provided, single submitter. Criteria: Ambry Variant Classification Scheme 2023. Collection method: clinical testing. Allele origin: germline.